The following is an entry in ClinVar:

NM_005359.6(SMAD4):c.380G>A (p.Cys127Tyr)

Gene: SMAD4 (SMAD family member 4; plus strand). Cytogenetic location: 18q21.2.
Variant type: single nucleotide variant.
Coding change: c.380G>A on transcript NM_005359.6 (MANE Select); coding-DNA position 380, G replaced by A.
Protein change: p.Cys127Tyr; replaces cysteine 127 with tyrosine.
Molecular consequence: missense variant.
Genome position (GRCh38, 1-based): chr18:51,048,816, G>A. VCF-style: chr18-51048816-G-A. GRCh37 (hg19) VCF-style: chr18-48575186-G-A.
Other names: p.Cys127Tyr; short protein forms C127Y.
Identifiers: ClinVar variation 460549 (VCV000460549.17), dbSNP rs1555685182, ClinGen allele CA402458674.

ClinVar aggregate classification (germline): Conflicting classifications of pathogenicity. Review status: criteria provided, conflicting classifications (1 of 4 stars). 3 submissions from 3 submitters: Likely pathogenic (1); Uncertain significance (2). Last evaluated 2025-02-27.

Conditions:
Juvenile polyposis syndrome (JPS). Identifiers: Orphanet 2929, MedGen C0345893, MONDO:0017380, OMIM 174900.
Familial thoracic aortic aneurysm and aortic dissection (TAAD). Also called: Thoracic aortic aneurysms and dissections. Identifiers: Orphanet 91387, MedGen C4707243, MONDO:0019625.
Hereditary cancer-predisposing syndrome. Also called: Hereditary neoplastic syndrome; Neoplastic Syndromes, Hereditary; Tumor predisposition; Hereditary Cancer Syndrome. Identifiers: Orphanet 140162, MedGen C0027672, MeSH D009386, MONDO:0015356.

Submissions (3):

Ambry Genetics
Classification: Likely pathogenic for Hereditary cancer-predisposing syndrome; Familial thoracic aortic aneurysm and aortic dissection. Last evaluated: 2025-02-27. Review status: criteria provided, single submitter. Criteria: Ambry Variant Classification Scheme 2023. Collection method: clinical testing. Allele origin: germline.
Comment: The p.C127Y variant (also known as c.380G>A), located in coding exon 2 of the SMAD4 gene, results from a G to A substitution at nucleotide position 380. The cysteine at codon 127 is replaced by tyrosine, an amino acid with highly dissimilar properties. This alteration has been observed in at least one individual with a personal and/or family history that is consistent with juvenile polyposis syndrome (Ambry internal data). This missense alteration is located in a region that has a low rate of benign missense variation (Lek M et al. Nature. 2016 Aug 18;536(7616):285-91; DECIPHER: Database of Chromosomal Imbalance and Phenotype in Humans using Ensembl Resources. Firth H.V. et al. 2009. Am.J.Hum.Genet. 84, 524-533 (DOI)). This variant is considered to be rare based on population cohorts in the Genome Aggregation Database (gnomAD). This amino acid position is highly conserved in available vertebrate species. In addition, this alteration is predicted to be deleterious by in silico analysis. Based on the majority of available evidence to date, this variant is likely to be pathogenic.

Mayo Clinic Laboratories, Mayo Clinic
Classification: Uncertain significance. Last evaluated: 2023-12-12. Review status: criteria provided, single submitter. Criteria: ACMG Guidelines, 2015. Collection method: clinical testing. Allele origin: germline. Observed: 3 variant alleles.
Comment: PP3, PM2_moderate

Labcorp Genetics (formerly Invitae), Labcorp
Classification: Uncertain significance for Juvenile polyposis syndrome. Last evaluated: 2019-12-19. Review status: criteria provided, single submitter. Criteria: Invitae Variant Classification Sherloc (09022015). Collection method: clinical testing. Allele origin: germline.
Comment: In summary, the available evidence is currently insufficient to determine the role of this variant in disease. Therefore, it has been classified as a Variant of Uncertain Significance. Algorithms developed to predict the effect of missense changes on protein structure and function (SIFT, PolyPhen-2, Align-GVGD) all suggest that this variant is likely to be disruptive, but these predictions have not been confirmed by published functional studies and their clinical significance is uncertain. This variant has not been reported in the literature in individuals with SMAD4-related conditions. ClinVar contains an entry for this variant (Variation ID: 460549). This variant is not present in population databases (ExAC no frequency). This sequence change replaces cysteine with tyrosine at codon 127 of the SMAD4 protein (p.Cys127Tyr). The cysteine residue is highly conserved and there is a large physicochemical difference between cysteine and tyrosine.